The following is an entry in ClinVar:

NM_025132.4(WDR19):c.2218T>C (p.Tyr740His)

Gene: WDR19 (WD repeat domain 19; plus strand). Cytogenetic location: 4p14.
Variant type: single nucleotide variant.
Coding change: c.2218T>C on transcript NM_025132.4 (MANE Select); coding-DNA position 2218, T replaced by C.
Protein change: p.Tyr740His; replaces tyrosine 740 with histidine.
Molecular consequence: missense variant.
Genome position (GRCh38, 1-based): chr4:39,232,237, T>C. VCF-style: chr4-39232237-T-C. GRCh37 (hg19) VCF-style: chr4-39233857-T-C.
Other names: c.1738T>C, p.Tyr580His (NM_001317924.2); short protein forms Y740H, Y580H.
Identifiers: ClinVar variation 348741 (VCV000348741.9), dbSNP rs886059399, ClinGen allele CA10618713.

ClinVar aggregate classification (germline): Uncertain significance. Review status: criteria provided, multiple submitters, no conflicts (2 of 4 stars). 4 submissions from 3 submitters: Uncertain significance (4). Last evaluated 2022-08-20.

Conditions:
Asphyxiating thoracic dystrophy 5 (SRTD5). Also called: SHORT-RIB THORACIC DYSPLASIA 5 WITH OR WITHOUT POLYDACTYLY; SHORT-RIB THORACIC DYSPLASIA 5 WITHOUT POLYDACTYLY. Identifiers: Orphanet 474, MedGen C3280598, MONDO:0013717, OMIM 614376.
Senior-Loken syndrome 8 (SLSN8). Identifiers: Orphanet 3156, MedGen C4225376, MONDO:0014579, OMIM 616307.
Cranioectodermal dysplasia 4 (CED4). Identifiers: Orphanet 1515, MedGen C3280616, MONDO:0013719, OMIM 614378.

Allele frequency attached by ClinVar (database versions not stated): gnomAD exomes below 0.00001; TOPMed below 0.00001.
gnomAD v4.1: 3 of 1,612,368 alleles (0.00019%); highest among the groups gnomAD compares: East Asian, 0.0022%; no homozygotes.

Submissions (4):

Blueprint Genetics
Classification: Uncertain significance. Last evaluated: 2022-08-20. Review status: criteria provided, single submitter. Criteria: ACMG Guidelines, 2015. Collection method: clinical testing. Allele origin: germline.

Labcorp Genetics (formerly Invitae), Labcorp
Classification: Uncertain significance for Senior-Loken syndrome 8; Asphyxiating thoracic dystrophy 5. Last evaluated: 2022-01-04. Review status: criteria provided, single submitter. Criteria: Invitae Variant Classification Sherloc (09022015). Collection method: clinical testing. Allele origin: germline.
Comment: This sequence change replaces tyrosine, which is neutral and polar, with histidine, which is basic and polar, at codon 740 of the WDR19 protein (p.Tyr740His). This variant is not present in population databases (gnomAD no frequency). This variant has not been reported in the literature in individuals affected with WDR19-related conditions. ClinVar contains an entry for this variant (Variation ID: 348741). Algorithms developed to predict the effect of missense changes on protein structure and function (SIFT, PolyPhen-2, Align-GVGD) all suggest that this variant is likely to be disruptive. In summary, the available evidence is currently insufficient to determine the role of this variant in disease. Therefore, it has been classified as a Variant of Uncertain Significance.

Illumina Laboratory Services, Illumina
Classification: Uncertain significance for Cranioectodermal dysplasia 4. Last evaluated: 2018-01-12. Review status: criteria provided, single submitter. Criteria: ICSL Variant Classification Criteria 13 December 2019. Collection method: clinical testing. Allele origin: germline.

Illumina Laboratory Services, Illumina
Classification: Uncertain significance for Asphyxiating thoracic dystrophy 5. Last evaluated: 2018-01-12. Review status: criteria provided, single submitter. Criteria: ICSL Variant Classification Criteria 13 December 2019. Collection method: clinical testing. Allele origin: germline.